The following is an entry in ClinVar:

ClinVar aggregate classification (germline): Conflicting classifications of pathogenicity. Review status: criteria provided, conflicting classifications (1 of 4 stars). 2 submissions from 2 submitters: Uncertain significance (1); Likely benign (1). Last evaluated 2023-03-23.

Conditions:
Hereditary cancer-predisposing syndrome. Also called: Hereditary Cancer Syndrome; Hereditary neoplastic syndrome; Neoplastic Syndromes, Hereditary; Tumor predisposition. Identifiers: Orphanet 140162, MedGen C0027672, MeSH D009386, MONDO:0015356.
Hereditary breast ovarian cancer syndrome. Also called: BRCA1- and BRCA2-Associated Hereditary Breast and Ovarian Cancer; Hereditary breast and ovarian cancer; Hereditary breast and ovarian cancer syndrome (HBOC); Hereditary breast and/or ovarian cancer syndrome; Hereditary breast and ovarian cancer syndrome; Breast and ovarian cancer. Identifiers: Orphanet 145, MedGen C0677776, MeSH D061325, MONDO:0003582. Disease mechanism: loss of function.

Submissions (2):

University of Washington Department of Laboratory Medicine, University of Washington
Classification: Likely benign for Hereditary cancer-predisposing syndrome. Last evaluated: 2023-03-23. Review status: criteria provided, single submitter. Criteria: Dines et al. (Genet Med. 2020). Collection method: curation. Allele origin: germline.
Comment: Missense variant in a coldspot region where missense variants are very unlikely to be pathogenic (PMID:31911673).

BRCA2 exon 11 coldspot. Reclassification based on statistical prior probability.

Labcorp Genetics (formerly Invitae), Labcorp
Classification: Uncertain significance for Hereditary breast ovarian cancer syndrome. Last evaluated: 2021-12-14. Review status: criteria provided, single submitter. Criteria: Invitae Variant Classification Sherloc (09022015). Collection method: clinical testing. Allele origin: germline.
Comment: In summary, the available evidence is currently insufficient to determine the role of this variant in disease. Therefore, it has been classified as a Variant of Uncertain Significance. This sequence change replaces glutamine, which is neutral and polar, with histidine, which is basic and polar, at codon 1562 of the BRCA2 protein (p.Gln1562His). This variant is not present in population databases (gnomAD no frequency). This variant has not been reported in the literature in individuals affected with BRCA2-related conditions. Advanced modeling of protein sequence and biophysical properties (such as structural, functional, and spatial information, amino acid conservation, physicochemical variation, residue mobility, and thermodynamic stability) performed at Invitae indicates that this missense variant is not expected to disrupt BRCA2 protein function.

NM_000059.4(BRCA2):c.4686A>T (p.Gln1562His)

Gene: BRCA2 (BRCA2 DNA repair associated; plus strand). Cytogenetic location: 13q13.1.
Variant type: single nucleotide variant.
Coding change: c.4686A>T on transcript NM_000059.4 (MANE Select); coding-DNA position 4686, A replaced by T.
Protein change: p.Gln1562His; replaces glutamine 1562 with histidine.
Molecular consequence: missense variant.
Genome position (GRCh38, 1-based): chr13:32,339,041, A>T. VCF-style: chr13-32339041-A-T. GRCh37 (hg19) VCF-style: chr13-32913178-A-T.
Other names: short protein forms Q1562H.
Identifiers: ClinVar variation 1447507 (VCV001447507.7), dbSNP rs28897730, ClinGen allele CA387782840.